The following is an entry in ClinVar:

ClinVar aggregate classification (germline): Uncertain significance (1 of 4 stars; one submission).

Allele frequency attached by ClinVar (database versions not stated): ExAC 0.00001; gnomAD exomes 0.00001; TOPMed 0.00001.
gnomAD v4.1: 3 of 1,614,020 alleles (0.00019%); highest among the groups gnomAD compares: African/African-American, 0.004%; no homozygotes.

Submission:

Labcorp Genetics (formerly Invitae), Labcorp
Classification: Uncertain significance. Last evaluated: 2023-09-14. Review status: criteria provided, single submitter. Criteria: Invitae Variant Classification Sherloc (09022015). Collection method: clinical testing. Allele origin: germline.
Comment: This sequence change replaces isoleucine, which is neutral and non-polar, with valine, which is neutral and non-polar, at codon 634 of the CSDE1 protein (p.Ile634Val). This variant is present in population databases (rs760903208, gnomAD 0.02%). This variant has not been reported in the literature in individuals affected with CSDE1-related conditions. An algorithm developed to predict the effect of missense changes on protein structure and function (PolyPhen-2) suggests that this variant is likely to be disruptive. In summary, the available evidence is currently insufficient to determine the role of this variant in disease. Therefore, it has been classified as a Variant of Uncertain Significance.

NM_001007553.3(CSDE1):c.1855A>G (p.Ile619Val)

Gene: CSDE1 (cold shock domain containing E1; minus strand). Cytogenetic location: 1p13.2.
Variant type: single nucleotide variant.
Coding change: c.1855A>G on transcript NM_001007553.3 (MANE Select); coding-DNA position 1855, A replaced by G.
Protein change: p.Ile619Val; replaces isoleucine 619 with valine.
Molecular consequence: missense variant.
Genome position (GRCh38, 1-based): chr1:114,723,901, T>C on the plus strand (A>G on the coding strand, the complement: CSDE1 is on the minus strand). VCF-style: chr1-114723901-T-C. GRCh37 (hg19) VCF-style: chr1-115266522-T-C.
Other names: c.1900A>G, p.Ile634Val (NM_001130523.3); c.1993A>G, p.Ile665Val (NM_001242891.2); c.1855A>G, p.Ile619Val (NM_001242892.2); c.1762A>G, p.Ile588Val (NM_001242893.2, NM_007158.6); short protein forms I619V, I634V, I588V, I665V.
Identifiers: ClinVar variation 2753573 (VCV002753573.3), dbSNP rs760903208, ClinGen allele CA1020969.